The following is an entry in ClinVar:

ClinVar aggregate classification (germline): Uncertain significance (1 of 4 stars; one submission).

Allele frequency attached by ClinVar (database versions not stated): TOPMed 0.00001.

Submission:

Labcorp Genetics (formerly Invitae), Labcorp
Classification: Uncertain significance. Last evaluated: 2023-01-08. Review status: criteria provided, single submitter. Criteria: Invitae Variant Classification Sherloc (09022015). Collection method: clinical testing. Allele origin: germline.
Comment: In summary, the available evidence is currently insufficient to determine the role of this variant in disease. Therefore, it has been classified as a Variant of Uncertain Significance. Algorithms developed to predict the effect of missense changes on protein structure and function (SIFT, PolyPhen-2, Align-GVGD) all suggest that this variant is likely to be tolerated. ClinVar contains an entry for this variant (Variation ID: 1346944). This variant has not been reported in the literature in individuals affected with RAB11A-related conditions. This variant is not present in population databases (gnomAD no frequency). This sequence change replaces threonine, which is neutral and polar, with alanine, which is neutral and non-polar, at codon 204 of the RAB11A protein (p.Thr204Ala).

NM_004663.5(RAB11A):c.610A>G (p.Thr204Ala)

Gene: RAB11A (RAB11A, member RAS oncogene family; plus strand). Cytogenetic location: 15q22.31.
Variant type: single nucleotide variant.
Coding change: c.610A>G on transcript NM_004663.5 (MANE Select); coding-DNA position 610, A replaced by G.
Protein change: p.Thr204Ala; replaces threonine 204 with alanine.
Molecular consequence: missense variant. On other transcripts: 3 prime UTR variant (1).
Genome position (GRCh38, 1-based): chr15:65,887,799, A>G. VCF-style: chr15-65887799-A-G. GRCh37 (hg19) VCF-style: chr15-66180137-A-G.
Other names: c.*47A>G (NM_001206836.2); short protein forms T204A.
Identifiers: ClinVar variation 1346944 (VCV001346944.6), dbSNP rs1280621310, ClinGen allele CA392925307.